The following is an entry in ClinVar:

ClinVar aggregate classification (germline): Uncertain significance (1 of 4 stars; one submission).

Submission:

Labcorp Genetics (formerly Invitae), Labcorp
Classification: Uncertain significance. Last evaluated: 2023-06-27. Review status: criteria provided, single submitter. Criteria: Invitae Variant Classification Sherloc (09022015). Collection method: clinical testing. Allele origin: germline.
Comment: In summary, the available evidence is currently insufficient to determine the role of this variant in disease. Therefore, it has been classified as a Variant of Uncertain Significance. An algorithm developed to predict the effect of missense changes on protein structure and function (PolyPhen-2) suggests that this variant is likely to be disruptive. This variant has not been reported in the literature in individuals affected with CAMK2B-related conditions. This variant is not present in population databases (gnomAD no frequency). This sequence change replaces alanine, which is neutral and non-polar, with proline, which is neutral and non-polar, at codon 24 of the CAMK2B protein (p.Ala24Pro).

NM_001220.5(CAMK2B):c.70G>C (p.Ala24Pro)

Gene: CAMK2B (calcium/calmodulin dependent protein kinase II beta; minus strand). Cytogenetic location: 7p13.
Variant type: single nucleotide variant.
Coding change: c.70G>C on transcript NM_001220.5 (MANE Select); coding-DNA position 70, G replaced by C.
Protein change: p.Ala24Pro; replaces alanine 24 with proline.
Molecular consequence: missense variant.
Genome position (GRCh38, 1-based): chr7:44,284,221, C>G on the plus strand (G>C on the coding strand, the complement: CAMK2B is on the minus strand). VCF-style: chr7-44284221-C-G. GRCh37 (hg19) VCF-style: chr7-44323820-C-G.
Other names: c.70G>C, p.Ala24Pro (NM_001293170.2, NM_172078.3, NM_172079.3 and 5 more transcripts); short protein forms A24P.
Identifiers: ClinVar variation 2729888 (VCV002729888.3), dbSNP rs2129104026, ClinGen allele CA367380029.